The following is an entry in ClinVar:

ClinVar aggregate classification (germline): Uncertain significance. Review status: criteria provided, multiple submitters, no conflicts (2 of 4 stars). 4 submissions from 4 submitters: Uncertain significance (4). Last evaluated 2024-12-05.

Conditions:
Breast and/or ovarian cancer. Identifiers: MedGen CN221562.
Hereditary cancer-predisposing syndrome. Also called: Hereditary Cancer Syndrome; Hereditary neoplastic syndrome; Tumor predisposition; Neoplastic Syndromes, Hereditary. Identifiers: Orphanet 140162, MedGen C0027672, MeSH D009386, MONDO:0015356.

Submissions (4):

Women's Health and Genetics/Laboratory Corporation of America, LabCorp
Classification: Uncertain significance. Last evaluated: 2024-12-05. Review status: criteria provided, single submitter. Criteria: LabCorp Variant Classification Summary - May 2015. Collection method: clinical testing. Allele origin: germline.

Color Diagnostics, LLC DBA Color Health
Classification: Uncertain significance for Hereditary cancer-predisposing syndrome. Last evaluated: 2024-03-06. Review status: criteria provided, single submitter. Criteria: ACMG Guidelines, 2015. Collection method: clinical testing. Allele origin: germline.
Comment: This missense variant replaces methionine with threonine at codon 827 of the PMS2 protein. Computational prediction suggests that this variant may have deleterious impact on protein structure and function (internally defined REVEL score threshold >= 0.7, PMID: 27666373). To our knowledge, functional studies have not been reported for this variant. This variant has not been reported in individuals affected with hereditary cancer in the literature. This variant has not been identified in the general population by the Genome Aggregation Database (gnomAD). The available evidence is insufficient to determine the role of this variant in disease conclusively. Therefore, this variant is classified as a Variant of Uncertain Significance.

Ambry Genetics
Classification: Uncertain significance for Hereditary cancer-predisposing syndrome. Last evaluated: 2024-02-25. Review status: criteria provided, single submitter. Criteria: Ambry Variant Classification Scheme 2023. Collection method: clinical testing. Allele origin: germline.
Comment: The p.M827T variant (also known as c.2480T>C), located in coding exon 15 of the PMS2 gene, results from a T to C substitution at nucleotide position 2480. The methionine at codon 827 is replaced by threonine, an amino acid with similar properties. This amino acid position is conserved. In addition, this alteration is predicted to be deleterious by in silico analysis. Since supporting evidence is limited at this time, the clinical significance of this alteration remains unclear.

CHEO Genetics Diagnostic Laboratory, Children's Hospital of Eastern Ontario
Classification: Uncertain significance for Breast and/or ovarian cancer. Last evaluated: 2021-08-10. Review status: criteria provided, single submitter. Criteria: ACMG Guidelines, 2015. Collection method: clinical testing. Allele origin: germline.

NM_000535.7(PMS2):c.2480T>C (p.Met827Thr)

Gene: PMS2 (PMS1 homolog 2, mismatch repair system component; minus strand). Cytogenetic location: 7p22.1.
Variant type: single nucleotide variant.
Coding change: c.2480T>C on transcript NM_000535.7 (MANE Select); coding-DNA position 2480, T replaced by C.
Protein change: p.Met827Thr; replaces methionine 827 with threonine.
Molecular consequence: missense variant. On other transcripts: non-coding transcript variant (1).
Genome position (GRCh38, 1-based): chr7:5,973,508, A>G on the plus strand (T>C on the coding strand, the complement: PMS2 is on the minus strand). VCF-style: chr7-5973508-A-G. GRCh37 (hg19) VCF-style: chr7-6013139-A-G.
Other names: c.2075T>C, p.Met692Thr (NM_001018040.1, NM_001322003.2, NM_001322004.2 and 12 more transcripts); c.2324T>C, p.Met775Thr (NM_001322006.2); c.2162T>C, p.Met721Thr (NM_001322007.2, NM_001322008.2, NM_001406883.1); c.2108T>C, p.Met703Thr (NM_001322009.2, NM_001406887.1, NM_001406888.1); c.1919T>C, p.Met640Thr (NM_001322010.2, NM_001406906.1, NM_001406907.1); c.1547T>C, p.Met516Thr (NM_001322011.2, NM_001322012.2); c.1907T>C, p.Met636Thr (NM_001322013.2, NM_001406908.1, NM_001406909.1); c.2513T>C, p.Met838Thr (NM_001322014.2); and 20 more; short protein forms M570T, M636T, M665T, M669T, M724T, M775T, M835T, M838T.
Identifiers: ClinVar variation 1791921 (VCV001791921.7), dbSNP rs2128658626, ClinGen allele CA366734972.